The following is an entry in ClinVar:

ClinVar aggregate classification (germline): Likely pathogenic. Review status: criteria provided, multiple submitters, no conflicts (2 of 4 stars). 2 submissions from 2 submitters: Likely pathogenic (2). Last evaluated 2025-01-15.

Conditions:
Charcot-Marie-Tooth disease axonal type 2P. Also called: Charcot-Marie-Tooth Neuropathy Type 2G; CHARCOT-MARIE-TOOTH NEUROPATHY, TYPE 2P; CHARCOT-MARIE-TOOTH DISEASE, AXONAL, TYPE 2G; CMT 2G. Identifiers: Orphanet 300319, Orphanet 99941, MedGen C3280797, MONDO:0013753, OMIM 614436.
Charcot-Marie-Tooth disease. Also called: Charcot-Marie-Tooth Hereditary Neuropathy; Charcot-Marie-Tooth Neuropathy. Identifiers: Orphanet 166, MedGen C0007959, MONDO:0015626.

Submissions (2):

Labcorp Genetics (formerly Invitae), Labcorp
Classification: Likely pathogenic for Charcot-Marie-Tooth disease axonal type 2P. Last evaluated: 2025-01-15. Review status: criteria provided, single submitter. Criteria: Invitae Variant Classification Sherloc (09022015). Collection method: clinical testing. Allele origin: germline.
Comment: This sequence change creates a premature translational stop signal (p.Val670Cysfs*16) in the LRSAM1 gene. While this is not anticipated to result in nonsense mediated decay, it is expected to disrupt the last 54 amino acid(s) of the LRSAM1 protein. This variant is not present in population databases (gnomAD no frequency). This premature translational stop signal has been observed in individual(s) with autosomal dominant Charcot-Marie-Tooth disease (PMID: 32376792). ClinVar contains an entry for this variant (Variation ID: 917118). Experimental studies and prediction algorithms are not available or were not evaluated, and the functional significance of this variant is currently unknown. This protein change is located in a region of the LRSAM1 protein where a significant number of LRSAM1 nonsense and frameshift mutations have been reported in autosomal dominant Charcot-Marie-Tooth disease (PMID: 33414056, 31211173, 29341362). In summary, the currently available evidence indicates that the variant is pathogenic, but additional data are needed to prove that conclusively. Therefore, this variant has been classified as Likely Pathogenic.

Molecular Genetics Laboratory, London Health Sciences Centre
Classification: Likely pathogenic for Charcot-Marie-Tooth disease. Review status: criteria provided, single submitter. Criteria: ACMG Guidelines, 2015. Collection method: clinical testing. Allele origin: germline. Affected: yes.

Literature cited by the submitters: PubMed 32376792 (cited by Labcorp Genetics (formerly Invitae), Labcorp); PubMed 33414056 (cited by Labcorp Genetics (formerly Invitae), Labcorp); PubMed 31211173 (cited by Labcorp Genetics (formerly Invitae), Labcorp); PubMed 29341362 (cited by Labcorp Genetics (formerly Invitae), Labcorp).

NM_001005373.4(LRSAM1):c.2008del (p.Val670fs)

Gene: LRSAM1 (leucine rich repeat and sterile alpha motif containing 1; plus strand). Cytogenetic location: 9q34.11.
Variant type: Deletion.
Coding change: c.2008del on transcript NM_001005373.4 (MANE Select); coding-DNA position 2008, one base deleted (G; older notation c.2008delG).
Protein change: p.Val670fs; shifts the reading frame from valine 670.
Molecular consequence: frameshift variant. On other transcripts: non-coding transcript variant (2).
Genome position (GRCh38, 1-based): chr9:127,501,105, G deleted; the last of 2 consecutive G bases (chr9:127,501,104-127,501,105); deleting either gives the same sequence. VCF-style (leftmost placement, unchanged base first): chr9-127501103-AG-A. GRCh37 (hg19) VCF-style: chr9-130263382-AG-A.
Other names: c.2008delG (NM_138361.5); c.2008del, p.Val670fs (NM_001005374.4, NM_001384142.1, NM_138361.5); c.1927del, p.Val643fs (NM_001190723.3); c.1909del, p.Val637fs (NM_001384143.1); c.1219del, p.Val407fs (NM_001384144.1); short protein forms V643fs, V670fs, V407fs, V637fs.
Identifiers: ClinVar variation 917118 (VCV000917118.4), dbSNP rs1836372698, ClinGen allele CA1139661175.